The following is an entry in ClinVar:

ClinVar aggregate classification (germline): Conflicting classifications of pathogenicity. Review status: criteria provided, conflicting classifications (1 of 4 stars). 3 submissions from 2 submitters: Uncertain significance (1); Benign (1); Likely benign (1). Last evaluated 2025-12-08.

Conditions:
Hypoalphalipoproteinemia, primary, 1. Identifiers: Orphanet 425, MedGen C5231558, MONDO:0011393, OMIM 604091.
Tangier disease (TGD). Also called: HIGH DENSITY LIPOPROTEIN DEFICIENCY, TANGIER TYPE; HIGH DENSITY LIPOPROTEIN DEFICIENCY, TYPE 1; Cholesterol thesaurismosis. Identifiers: Orphanet 31150, MedGen C0039292, MONDO:0008783, OMIM 205400.

Allele frequency attached by ClinVar (database versions not stated): gnomAD exomes 0.00005 and 0.00014; gnomAD 0.00007 and 0.00008; TOPMed 0.00012; ExAC 0.00018.
gnomAD v4.1: 83 of 1,613,914 alleles (0.0051%); highest among the groups gnomAD compares: East Asian, 0.11%; no homozygotes.

Submissions (3):

Labcorp Genetics (formerly Invitae), Labcorp
Classification: Likely benign. Last evaluated: 2025-12-08. Review status: criteria provided, single submitter. Criteria: Invitae Variant Classification Sherloc (09022015). Collection method: clinical testing. Allele origin: germline.

Illumina Laboratory Services, Illumina
Classification: Uncertain significance for Tangier disease. Last evaluated: 2018-01-12. Review status: criteria provided, single submitter. Criteria: ICSL Variant Classification Criteria 13 December 2019. Collection method: clinical testing. Allele origin: germline.

Illumina Laboratory Services, Illumina
Classification: Benign for Hypoalphalipoproteinemia, primary, 1. Last evaluated: 2018-01-12. Review status: criteria provided, single submitter. Criteria: ICSL Variant Classification Criteria 13 December 2019. Collection method: clinical testing. Allele origin: germline.
Comment: This variant was observed in the ICSL laboratory as part of a predisposition screen in an ostensibly healthy population. It had not been previously curated by ICSL or reported in the Human Gene Mutation Database (HGMD: prior to June 1st, 2018), and was therefore a candidate for classification through an automated scoring system. Utilizing variant allele frequency, disease prevalence and penetrance estimates, and inheritance mode, an automated score was calculated to assess if this variant is too frequent to cause the disease. Based on the score and internal cut-off values, a variant classified as benign is not then subjected to further curation. The score for this variant resulted in a classification of benign for this disease.

NM_005502.4(ABCA1):c.3286G>A (p.Val1096Ile)

Gene: ABCA1 (ATP binding cassette subfamily A member 1; minus strand). Cytogenetic location: 9q31.1.
Variant type: single nucleotide variant.
Coding change: c.3286G>A on transcript NM_005502.4 (MANE Select); coding-DNA position 3286, G replaced by A.
Protein change: p.Val1096Ile; replaces valine 1096 with isoleucine.
Molecular consequence: missense variant.
Genome position (GRCh38, 1-based): chr9:104,818,839, C>T on the plus strand (G>A on the coding strand, the complement: ABCA1 is on the minus strand). VCF-style: chr9-104818839-C-T. GRCh37 (hg19) VCF-style: chr9-107581120-C-T.
Other names: short protein forms V1096I.
Identifiers: ClinVar variation 364419 (VCV000364419.12), dbSNP rs13306073, ClinGen allele CA5168472.